The following is an entry in ClinVar:

ClinVar aggregate classification (germline): Uncertain significance (1 of 4 stars; one submission).

Conditions:
Spermatogenic failure 18. Identifiers: MedGen C4539783, MONDO:0054615, OMIM 617576.
Ciliary dyskinesia, primary, 37 (CILD37). Also called: CILIARY DYSKINESIA, PRIMARY, 37, WITH OR WITHOUT SITUS INVERSUS. Identifiers: MedGen C4539798, MONDO:0033204, OMIM 617577.

Allele frequency attached by ClinVar (database versions not stated): gnomAD 0.00001; gnomAD exomes 0.00002; TOPMed 0.00004.
gnomAD v4.1: 18 of 1,613,460 alleles (0.0011%); highest among the groups gnomAD compares: African/African-American, 0.0027%; no homozygotes.

Submission:

Labcorp Genetics (formerly Invitae), Labcorp
Classification: Uncertain significance for Ciliary dyskinesia, primary, 37; Spermatogenic failure 18. Last evaluated: 2022-07-19. Review status: criteria provided, single submitter. Criteria: Invitae Variant Classification Sherloc (09022015). Collection method: clinical testing. Allele origin: germline.
Comment: In summary, the available evidence is currently insufficient to determine the role of this variant in disease. Therefore, it has been classified as a Variant of Uncertain Significance. Algorithms developed to predict the effect of missense changes on protein structure and function are either unavailable or do not agree on the potential impact of this missense change (SIFT: "Deleterious"; PolyPhen-2: "Benign"; Align-GVGD: "Class C0"). ClinVar contains an entry for this variant (Variation ID: 1426649). This variant has not been reported in the literature in individuals affected with DNAH1-related conditions. This variant is present in population databases (rs762921161, gnomAD 0.007%). This sequence change replaces serine, which is neutral and polar, with leucine, which is neutral and non-polar, at codon 3127 of the DNAH1 protein (p.Ser3127Leu).

NM_015512.5(DNAH1):c.9380C>T (p.Ser3127Leu)

Gene: DNAH1 (dynein axonemal heavy chain 1; plus strand). Cytogenetic location: 3p21.1.
Variant type: single nucleotide variant.
Coding change: c.9380C>T on transcript NM_015512.5 (MANE Select); coding-DNA position 9380, C replaced by T.
Protein change: p.Ser3127Leu; replaces serine 3127 with leucine.
Molecular consequence: missense variant.
Genome position (GRCh38, 1-based): chr3:52,388,822, C>T. VCF-style: chr3-52388822-C-T. GRCh37 (hg19) VCF-style: chr3-52422838-C-T.
Other names: short protein forms S3127L.
Identifiers: ClinVar variation 1426649 (VCV001426649.6), dbSNP rs762921161, ClinGen allele CA2435513.